The following is an entry in ClinVar:

ClinVar aggregate classification (germline): Conflicting classifications of pathogenicity. Review status: criteria provided, conflicting classifications (1 of 4 stars). 26 submissions from 26 submitters: Uncertain significance (1); Benign (6); Likely benign (13). 6 of the submissions do not count toward it. Last evaluated 2026-08-01.

Conditions:
Breast and/or ovarian cancer. Identifiers: MedGen CN221562.
Hereditary cancer-predisposing syndrome. Also called: Neoplastic Syndromes, Hereditary; Hereditary Cancer Syndrome; Tumor predisposition; Hereditary neoplastic syndrome. Identifiers: Orphanet 140162, MedGen C0027672, MeSH D009386, MONDO:0015356.
Familial cancer of breast. Also called: hereditary breast carcinoma; BREAST CANCER, FAMILIAL; Hereditary breast cancer. Identifiers: Orphanet 227535, MedGen C0346153, MONDO:0016419, OMIM 114480. Disease mechanism: loss of function.
Malignant tumor of breast. Also called: Malignant breast neoplasm; Cancer breast. Identifiers: MedGen C0006142, MONDO:0007254. Disease mechanism: loss of function.

Allele frequency attached by ClinVar (database versions not stated): 1000 Genomes Project 0.00040; TOPMed 0.00150; gnomAD exomes 0.00156 and 0.00161; ESP Exome Variant Server 0.00161; gnomAD 0.00164 and 0.00176; ExAC 0.00305.
gnomAD v4.1: 2,481 of 1,577,884 alleles (0.16%); highest among the groups gnomAD compares: Admixed American, 0.26%; 5 homozygotes.

Submissions 1 to 20 of 26:

CeGaT Center for Human Genetics Tuebingen
Classification: Likely benign. Last evaluated: 2026-08-01. Review status: criteria provided, single submitter. Criteria: CeGaT Center For Human Genetics Tuebingen Variant Classification Criteria Version 2. Collection method: clinical testing. Allele origin: germline. Affected: yes. Observed: 17 variant alleles.
Comment: BARD1: BS1

Labcorp Genetics (formerly Invitae), Labcorp
Classification: Benign for Familial cancer of breast. Last evaluated: 2026-02-04. Review status: criteria provided, single submitter. Criteria: Invitae Variant Classification Sherloc (09022015). Collection method: clinical testing. Allele origin: germline.

Center for Genomic Medicine, Rigshospitalet, Copenhagen University Hospital
Classification: Likely benign. Last evaluated: 2025-12-29. Review status: criteria provided, single submitter. Criteria: ACMG Guidelines, 2015. Collection method: clinical testing. Allele origin: germline.

Molecular Diagnostics Laboratory, Catalan Institute of Oncology
Classification: Uncertain significance for Hereditary cancer-predisposing syndrome. Last evaluated: 2025-06-04. Review status: criteria provided, single submitter. Criteria: ACMG Guidelines, 2015. Collection method: clinical testing. Allele origin: germline.
Comment: BP4_Moderate c.33G>T, located in exon 1 of the BARD1 gene, is predicted to result in the substitution of a Glutamine to a Histidine at codon 11, p.(Gln11His). This variant is found in 344/212674 alleles (1 homozygote), at a frequency of 0.162% in the gnomAD v2.1.1 database, non-cancer dataset. The SpliceAI algorithm predicts no significant impact on splicing. The REVEL meta-predictor score for this variant (0,156) suggests that it does not affect the protein function according Pejaver 2022 thresholds (PMID: 36413997)(BP4_Moderate). To our knowledge, functional studies have not been reported for this variant. c.33G>T has been identified in a patients affected with breast or ovarian cancer (PMID: 26315354, PMID: 26898890, PMID: 27328445, PMID: 34906988, data from our clinical cohort of patients among others). This variant has been reported in the ClinVar database (1x Uncertain Significance; 17x Likely benign; 6x benign) and in the LOVD database (1x VUS; 4x likely benign; 2x benign). At present ClinVar does not describe pathogenic or likely pathogenic missense variants in this codon. Based on currently available information, the variant c.33G>T should be considered an uncertain significance variant.

Myriad Genetics, Inc.
Classification: Benign for Familial cancer of breast. Last evaluated: 2025-01-08. Review status: criteria provided, single submitter. Criteria: Myriad Autosomal Dominant, Autosomal Recessive and X-Linked Classification Criteria (2023). Collection method: clinical testing. Allele origin: unknown.
Comment: This variant is considered benign. This variant is strongly associated with less severe personal and family histories of cancer, typical for individuals without pathogenic variants in this gene [PMID: 25085752]. This variant has been observed at a population frequency that is significantly greater than expected given the associated disease prevalence and penetrance.

Blueprint Genetics
Classification: Likely benign. Last evaluated: 2024-11-26. Review status: criteria provided, single submitter. Criteria: ACMG Guidelines, 2015. Collection method: clinical testing. Allele origin: germline.

KCCC/NGS Laboratory, Kuwait Cancer Control Center
Classification: Benign for Familial cancer of breast. Last evaluated: 2023-07-07. Review status: criteria provided, single submitter. Criteria: ACMG Guidelines, 2015. Collection method: clinical testing. Allele origin: germline. Affected: yes.

CHEO Genetics Diagnostic Laboratory, Children's Hospital of Eastern Ontario
Classification: Likely benign for Breast and/or ovarian cancer. Last evaluated: 2023-05-01. Review status: criteria provided, single submitter. Criteria: ACMG Guidelines, 2015. Collection method: clinical testing. Allele origin: germline.

Quest Diagnostics Nichols Institute San Juan Capistrano
Classification: Benign. Last evaluated: 2022-06-22. Review status: criteria provided, single submitter. Criteria: Quest Diagnostics criteria. Collection method: clinical testing. Allele origin: unknown.

Institute for Clinical Genetics, University Hospital TU Dresden, University Hospital TU Dresden
Classification: Likely benign. Last evaluated: 2021-11-03. Review status: criteria provided, single submitter. Criteria: ACMG Guidelines, 2015. Collection method: clinical testing. Allele origin: germline.

Fulgent Genetics
Classification: Likely benign for Familial cancer of breast. Last evaluated: 2021-08-13. Review status: criteria provided, single submitter. Criteria: ACMG Guidelines, 2015. Collection method: clinical testing. Allele origin: unknown.

Sema4
Classification: Benign for Hereditary cancer-predisposing syndrome. Last evaluated: 2021-01-11. Review status: criteria provided, single submitter. Criteria: Sema4 Curation Guidelines. Collection method: curation. Allele origin: germline.

GeneDx
Classification: Likely benign. Last evaluated: 2020-09-26. Review status: criteria provided, single submitter. Criteria: GeneDx Variant Classification Process June 2021. Collection method: clinical testing. Allele origin: germline. Affected: yes.
Comment: In silico analysis, which includes protein predictors and evolutionary conservation, supports that this variant does not alter protein structure/function; This variant is associated with the following publications: (PMID: 27978560, 28135145, 25980754, 23056176, 26898890, 26787654, 27328445, 26979391, 27621404, 27498913, 26315354, 28528518, 28873162, 27443514)

Genetic Services Laboratory, University of Chicago
Classification: Likely benign. Last evaluated: 2020-02-04. Review status: criteria provided, single submitter. Criteria: ACMG Guidelines, 2015. Collection method: clinical testing. Allele origin: germline. Affected: no.

Mendelics
Classification: Likely benign for Familial cancer of breast. Last evaluated: 2019-05-28. Review status: criteria provided, single submitter. Criteria: Mendelics Assertion Criteria 2017. Collection method: clinical testing. Allele origin: unknown.

Ambry Genetics
Classification: Likely benign for Hereditary cancer-predisposing syndrome. Last evaluated: 2018-12-19. Review status: criteria provided, single submitter. Criteria: Ambry Variant Classification Scheme 2023. Collection method: clinical testing. Allele origin: germline.

Illumina Laboratory Services, Illumina
Classification: Likely benign for Familial cancer of breast. Last evaluated: 2018-01-13. Review status: criteria provided, single submitter. Criteria: ICSL Variant Classification Criteria 13 December 2019. Collection method: clinical testing. Allele origin: germline.
Comment: This variant was observed in the ICSL laboratory as part of a predisposition screen in an ostensibly healthy population. It had not been previously curated by ICSL or reported in the Human Gene Mutation Database (HGMD: prior to June 1st, 2018), and was therefore a candidate for classification through an automated scoring system. Utilizing variant allele frequency, disease prevalence and penetrance estimates, and inheritance mode, an automated score was calculated to assess if this variant is too frequent to cause the disease. Based on the score and internal cut-off values, a variant classified as likely benign is not then subjected to further curation. The score for this variant resulted in a classification of likely benign for this disease.

PreventionGenetics, part of Exact Sciences
Classification: Likely benign. Last evaluated: 2017-01-30. Review status: criteria provided, single submitter. Criteria: ACMG Guidelines, 2015. Collection method: clinical testing. Allele origin: germline.

Women's Health and Genetics/Laboratory Corporation of America, LabCorp
Classification: Benign. Last evaluated: 2016-05-03. Review status: criteria provided, single submitter. Criteria: LabCorp Variant Classification Summary - May 2015. Collection method: clinical testing. Allele origin: germline.
Comment: Variant summary: The c.33G>T (p.Gln11His) in BARD1 gene is a missense variant involves a non-conserved nucleotide and 5/5 in silico tools predict benign outcome. The variant is present in the control population dataset of ExAC at a frequency of 0.3% (115/37748 chrs tested), being most prevalent in Europeans (12/1030chrs tested), which exceeds the maximal expected allele frequency for a non-common pathogenic BARD1 variant (0.0002188). However, ExAC include a warning note that this variant is only covered in 18874 individuals (adjusted allele number = 37748). This means that the site is covered in fewer than 80% of the individuals in ExAC, which may indicate a low-quality site.The variant has been reported in affected individuals without strong evidence for causality. The variant of interest has been reported as Likely Benign/Benign by reputable databases/clinical laboratories. Taken all together, the variant was classified as Benign.

Color Diagnostics, LLC DBA Color Health
Classification: Likely benign for Hereditary cancer-predisposing syndrome. Last evaluated: 2015-02-11. Review status: criteria provided, single submitter. Criteria: ACMG Guidelines, 2015. Collection method: clinical testing. Allele origin: germline.

NM_000465.4(BARD1):c.33G>T (p.Gln11His)

Gene: BARD1 (BRCA1 associated RING domain 1; minus strand). Cytogenetic location: 2q35.
Variant type: single nucleotide variant.
Coding change: c.33G>T on transcript NM_000465.4 (MANE Select); coding-DNA position 33, G replaced by T.
Protein change: p.Gln11His; replaces glutamine 11 with histidine.
Molecular consequence: missense variant. On other transcripts: non-coding transcript variant (3).
Genome position (GRCh38, 1-based): chr2:214,809,537, C>A on the plus strand (G>T on the coding strand, the complement: BARD1 is on the minus strand). VCF-style: chr2-214809537-C-A. GRCh37 (hg19) VCF-style: chr2-215674261-C-A.
Other names: p.Q11H:CAG>CAT; c.33G>T, p.Gln11His (NM_001282543.2, NM_001282545.2, NM_001282548.2 and 1 more transcripts); short protein forms Q11H.
Identifiers: ClinVar variation 127737 (VCV000127737.74), dbSNP rs143914387, ClinGen allele CA287543.